The following is an entry in ClinVar:

ClinVar aggregate classification (germline): Uncertain significance (1 of 4 stars; one submission).

Submission:

Labcorp Genetics (formerly Invitae), Labcorp
Classification: Uncertain significance. Last evaluated: 2022-10-24. Review status: criteria provided, single submitter. Criteria: Invitae Variant Classification Sherloc (09022015). Collection method: clinical testing. Allele origin: germline.
Comment: In summary, the available evidence is currently insufficient to determine the role of this variant in disease. Therefore, it has been classified as a Variant of Uncertain Significance. This sequence change replaces glycine, which is neutral and non-polar, with arginine, which is basic and polar, at codon 1206 of the CNGB1 protein (p.Gly1206Arg). This variant is not present in population databases (gnomAD no frequency). This variant has not been reported in the literature in individuals affected with CNGB1-related conditions. ClinVar contains an entry for this variant (Variation ID: 1026823). Advanced modeling of protein sequence and biophysical properties (such as structural, functional, and spatial information, amino acid conservation, physicochemical variation, residue mobility, and thermodynamic stability) performed at Invitae indicates that this missense variant is not expected to disrupt CNGB1 protein function.

NM_001297.5(CNGB1):c.3616G>C (p.Gly1206Arg)

Gene: CNGB1 (cyclic nucleotide gated channel subunit beta 1; minus strand). Cytogenetic location: 16q21.
Variant type: single nucleotide variant.
Coding change: c.3616G>C on transcript NM_001297.5 (MANE Select); coding-DNA position 3616, G replaced by C.
Protein change: p.Gly1206Arg; replaces glycine 1206 with arginine.
Molecular consequence: missense variant.
Genome position (GRCh38, 1-based): chr16:57,884,304, C>G on the plus strand (G>C on the coding strand, the complement: CNGB1 is on the minus strand). VCF-style: chr16-57884304-C-G. GRCh37 (hg19) VCF-style: chr16-57918208-C-G.
Other names: c.3598G>C, p.Gly1200Arg (NM_001286130.2); short protein forms G1200R, G1206R.
Identifiers: ClinVar variation 1026823 (VCV001026823.8), dbSNP rs1959843755, ClinGen allele CA396059484.